The following is an entry in ClinVar:

NM_003105.6(SORL1):c.552C>T (p.Ala184=)

Gene: SORL1 (sortilin related receptor 1; plus strand). Cytogenetic location: 11q24.1.
Variant type: single nucleotide variant.
Coding change: c.552C>T on transcript NM_003105.6 (MANE Select); coding-DNA position 552, C replaced by T.
Protein change: p.Ala184=; no amino-acid change (alanine 184 retained).
Molecular consequence: synonymous variant.
Genome position (GRCh38, 1-based): chr11:121,488,055, C>T. VCF-style: chr11-121488055-C-T. GRCh37 (hg19) VCF-style: chr11-121358764-C-T.
Identifiers: ClinVar variation 2642477 (VCV002642477.24), dbSNP rs2496773262, ClinGen allele CA477309858.
Genomic context (GRCh38, chr11:121,488,055, plus strand): 5'-CAGGGCCTGCTCTCAACTTACCTGTTTTCCCTTGCAGTACATCTTTGCAGACGCTTATGC[C>T]CAGTACCTCTGGATCACGTTTGACTTCTGCAACACTCTTCAAGGCTTTTCCATCCCATTT-3'
Protein context (NP_003096.2, residues 174-194): NKRYIFADAY[Ala184=]QYLWITFDFC

ClinVar aggregate classification (germline): Likely benign (1 of 4 stars; one submission).

gnomAD v4.1: 1 of 1,614,126 alleles (0.000062%); highest among the groups gnomAD compares: Non-Finnish European, 0.000085%; no homozygotes.

Submission:

CeGaT Center for Human Genetics Tuebingen
Classification: Likely benign. Last evaluated: 2023-03-01. Review status: criteria provided, single submitter. Criteria: CeGaT Center For Human Genetics Tuebingen Variant Classification Criteria Version 2. Collection method: clinical testing. Allele origin: germline. Affected: yes. Observed: 1 variant allele.
Comment: SORL1: PM2:Supporting, BP4, BP7